The following is an entry in ClinVar:

NM_000256.3(MYBPC3):c.2459G>C (p.Arg820Pro)

Gene: MYBPC3 (myosin binding protein C3; minus strand). Cytogenetic location: 11p11.2.
Variant type: single nucleotide variant.
Coding change: c.2459G>C on transcript NM_000256.3 (MANE Select); coding-DNA position 2459, G replaced by C.
Protein change: p.Arg820Pro; replaces arginine 820 with proline.
Molecular consequence: missense variant.
Genome position (GRCh38, 1-based): chr11:47,337,534, C>G on the plus strand (G>C on the coding strand, the complement: MYBPC3 is on the minus strand). VCF-style: chr11-47337534-C-G. GRCh37 (hg19) VCF-style: chr11-47359085-C-G.
Other names: p.R820P:CGG>CCG; c.2459G>C, p.Arg820Pro (LRG_386t1); short protein forms R820P.
Identifiers: ClinVar variation 180970 (VCV000180970.10), dbSNP rs2856655, ClinGen allele CA012335.

ClinVar aggregate classification (germline): Conflicting classifications of pathogenicity. Review status: criteria provided, conflicting classifications (1 of 4 stars). 5 submissions from 5 submitters: Likely pathogenic (2); Uncertain significance (3). Last evaluated 2026-01-27.

Conditions:
Hypertrophic cardiomyopathy 4. Also called: Familial hypertrophic cardiomyopathy 4. Identifiers: MedGen C1861862, MONDO:0007268, OMIM 115197.
Hypertrophic cardiomyopathy. Also called: HYPERTROPHIC MYOCARDIOPATHY. Identifiers: Orphanet 217569, MedGen C0007194, MeSH D002312, MONDO:0005045, HP:0001639.

gnomAD v4.1: 1 of 1,613,980 alleles (0.000062%); highest among the groups gnomAD compares: Non-Finnish European, 0.000085%; no homozygotes.

Submissions (5):

Labcorp Genetics (formerly Invitae), Labcorp
Classification: Uncertain significance for Hypertrophic cardiomyopathy. Last evaluated: 2026-01-27. Review status: criteria provided, single submitter. Criteria: Invitae Variant Classification Sherloc (09022015). Collection method: clinical testing. Allele origin: germline.
Comment: This sequence change replaces arginine, which is basic and polar, with proline, which is neutral and non-polar, at codon 820 of the MYBPC3 protein (p.Arg820Pro). This variant is not present in population databases (gnomAD no frequency). This missense change has been observed in individuals with hypertrophic cardiomyopathy (internal data). ClinVar contains an entry for this variant (Variation ID: 180970). An algorithm developed to predict the effect of missense changes on protein structure and function (PolyPhen-2) suggests that this variant is likely to be disruptive. This variant disrupts the p.Arg820 amino acid residue in MYBPC3. Other variant(s) that disrupt this residue have been determined to be pathogenic (PMID: 12628722, 12951062, 18929575, 25281569). This suggests that this residue is clinically significant, and that variants that disrupt this residue are likely to be disease-causing. In summary, the available evidence is currently insufficient to determine the role of this variant in disease. Therefore, it has been classified as a Variant of Uncertain Significance.

Institute of Human Genetics, University of Leipzig Medical Center
Classification: Likely pathogenic for Hypertrophic cardiomyopathy 4. Last evaluated: 2024-09-24. Review status: criteria provided, single submitter. Criteria: ACMG Guidelines, 2015. Collection method: clinical testing. Allele origin: unknown. Inheritance: Autosomal dominant inheritance. Affected: yes.
Comment: Criteria applied: PS4,PM2,PM5

Genetics and Molecular Pathology, SA Pathology
Classification: Likely pathogenic for Hypertrophic cardiomyopathy 4. Last evaluated: 2021-08-17. Review status: criteria provided, single submitter. Criteria: ACMG Guidelines, 2015. Collection method: clinical testing. Allele origin: germline. Affected: yes.

Blueprint Genetics
Classification: Uncertain significance. Last evaluated: 2019-08-14. Review status: criteria provided, single submitter. Criteria: ACMG Guidelines, 2015. Collection method: clinical testing. Allele origin: germline.

GeneDx
Classification: Uncertain significance. Last evaluated: 2017-05-19. Review status: criteria provided, single submitter. Criteria: GeneDx Variant Classification (06012015). Collection method: clinical testing. Allele origin: germline. Affected: yes.
Comment: The Arg820Pro variant in the MYBPC3 gene has also not been reported as a pathogenic variant or as a benign polymorphism to our knowledge. Arg820Pro results in a non-conservative amino acid substitution of a positively charged Arginine with a non-polar Proline at a position that is conserved across species. In silico analysis predicts Arg820Pro is probably damaging to the protein structure/function. In addition, the NHLBI ESP Exome Variant Server reports Arg820Pro was not observed in approximately 4,000 samples from individuals of European and African American backgrounds, indicating it is not a common benign variant in these populations. However, a different non-conservative change at this position (Arg820Gln) has been reported with an allele frequency of 0.6-1.2% in individuals of various ethnic backgrounds (dbSNP: rs2856655), indicating this codon may tolerate change. In summary, the clinical significance of Arg820Pro in the MYBPC3 gene is currently unknown. Variants in the MYBPC3 gene have been reported in 20%-30% of patients with autosomal dominant familial hypertrophic cardiomyopathy, and have been reported less frequently in patients with autosomal dominant familial dilated cardiomyopathy (Cirino A et al., 2011; Hershberger R et al., 2009). Therefore, based on the currently available information, it is unclear whether this variant is a pathogenic variant or a rare benign variant.

Literature cited by the submitters: PubMed 12628722 (cited by Labcorp Genetics (formerly Invitae), Labcorp); PubMed 12951062 (cited by Labcorp Genetics (formerly Invitae), Labcorp); PubMed 18929575 (cited by Labcorp Genetics (formerly Invitae), Labcorp); PubMed 25281569 (cited by Labcorp Genetics (formerly Invitae), Labcorp).